The following is an entry in ClinVar:

ClinVar aggregate classification (germline): Uncertain significance. Review status: criteria provided, multiple submitters, no conflicts (2 of 4 stars). 3 submissions from 3 submitters: Uncertain significance (3). Last evaluated 2025-12-25.

Conditions:
Inborn genetic diseases. Identifiers: MedGen C0950123, MeSH D030342.
Mesangiocapillary glomerulonephritis. Also called: Membranoproliferative glomerulonephritis. Identifiers: MedGen C0017662, MONDO:0002461, HP:0000793.
Immunoglobulin-mediated membranoproliferative glomerulonephritis. Also called: NEPHROTIC SYNDROME, TYPE 7, WITH MEMBRANOPROLIFERATIVE GLOMERULONEPHRITIS; Nephrotic syndrome, type 7. Identifiers: Orphanet 329903, MedGen C3554330, MONDO:0014005, OMIM 615008.

Allele frequency attached by ClinVar (database versions not stated): gnomAD exomes 0.00007; ExAC 0.00002; ESP Exome Variant Server 0.00008.
gnomAD v4.1: 122 of 1,585,042 alleles (0.0077%); highest among the groups gnomAD compares: Non-Finnish European, 0.0096%; no homozygotes.

Submissions (3):

Labcorp Genetics (formerly Invitae), Labcorp
Classification: Uncertain significance. Last evaluated: 2025-12-25. Review status: criteria provided, single submitter. Criteria: Invitae Variant Classification Sherloc (09022015). Collection method: clinical testing. Allele origin: germline.
Comment: This sequence change replaces proline, which is neutral and non-polar, with threonine, which is neutral and polar, at codon 188 of the DGKE protein (p.Pro188Thr). This variant is present in population databases (rs61751969, gnomAD 0.01%). This missense change has been observed in individual(s) with atypical hemolytic uremic syndrome (PMID: 38374836). ClinVar contains an entry for this variant (Variation ID: 2376306). Invitae Evidence Modeling of protein sequence and biophysical properties (such as structural, functional, and spatial information, amino acid conservation, physicochemical variation, residue mobility, and thermodynamic stability) indicates that this missense variant is expected to disrupt DGKE protein function with a positive predictive value of 80%. In summary, the available evidence is currently insufficient to determine the role of this variant in disease. Therefore, it has been classified as a Variant of Uncertain Significance.

Ambry Genetics
Classification: Uncertain significance for Inborn genetic diseases. Last evaluated: 2025-10-24. Review status: criteria provided, single submitter. Criteria: Ambry Variant Classification Scheme 2023. Collection method: clinical testing. Allele origin: germline.

Genomenon, Inc
Classification: Uncertain significance for Primary membranoproliferative glomerulonephritis. Last evaluated: 2025-09-26. Review status: criteria provided, single submitter. Criteria: Genomenon Sequence Variant Interpretation Standards - Updated. Collection method: curation. Allele origin: germline. Affected: no.
Comment: DGKE p.Pro188Thr (c.562C>A) is a missense variant that changes the amino acid at residue 188 from Proline to Threonine. This variant has been reported in the published literature (PMID:38374836). It is absent or not present at a significant frequency in gnomAD. In conclusion, we classify DGKE p.Pro188Thr (c.562C>A) as a variant of uncertain significance.

Literature cited by the submitters: PubMed 38374836 (cited by Labcorp Genetics (formerly Invitae), Labcorp and Genomenon, Inc).

NM_003647.3(DGKE):c.562C>A (p.Pro188Thr)

Gene: DGKE (diacylglycerol kinase epsilon; plus strand). Cytogenetic location: 17q22.
Variant type: single nucleotide variant.
Coding change: c.562C>A on transcript NM_003647.3 (MANE Select); coding-DNA position 562, C replaced by A.
Protein change: p.Pro188Thr; replaces proline 188 with threonine.
Molecular consequence: missense variant.
Genome position (GRCh38, 1-based): chr17:56,844,116, C>A. VCF-style: chr17-56844116-C-A. GRCh37 (hg19) VCF-style: chr17-54921477-C-A.
Other names: short protein forms P188T.
Identifiers: ClinVar variation 2376306 (VCV002376306.5), dbSNP rs61751969, ClinGen allele CA8663527.